The following is an entry in ClinVar:

ClinVar aggregate classification (germline): Uncertain significance. Review status: criteria provided, multiple submitters, no conflicts (2 of 4 stars). 6 submissions from 6 submitters: Uncertain significance (6). Last evaluated 2025-12-09.

Conditions:
Cardiovascular phenotype. Identifiers: MedGen CN230736.
Arrhythmogenic right ventricular cardiomyopathy (ARVD). Also called: Cardiomyopathy, ARVC; Arrhythmogenic right ventricular dysplasia; Arrhythmogenic cardiomyopathy; Arrhythmogenic Right Ventricular Cardiomyopathy (ARVC). Identifiers: Orphanet 247, MedGen C0349788, MeSH D019571, MONDO:0016587. Disease mechanism: loss of function. Inheritance: Various modes of inheritance.
Cardiomyopathy (CMYO). Also called: Cardiomyopathies. Identifiers: Orphanet 167848, MedGen C0878544, MONDO:0004994, HP:0001638. Inheritance: Various modes of inheritance.
Left ventricular noncompaction 1 (LVNC1). Also called: LEFT VENTRICULAR NONCOMPACTION 1 WITH OR WITHOUT CONGENITAL HEART DEFECTS. Identifiers: Orphanet 54260, MedGen C1858725, MONDO:0011403, OMIM 604169.
Arrhythmogenic right ventricular dysplasia 9 (ARVD9). Also called: Arrhythmogenic Right Ventricular Dysplasia/Cardiomyopathy 9; ARRHYTHMOGENIC RIGHT VENTRICULAR DYSPLASIA, FAMILIAL, 9. Identifiers: MedGen C1836906, MONDO:0012180, OMIM 609040.

Allele frequency attached by ClinVar (database versions not stated): gnomAD exomes 0.00001 and 0.00002; ExAC 0.00003; TOPMed 0.00003; gnomAD 0.00004 and 0.00006; 1000 Genomes Project 30x 0.00016; 1000 Genomes Project 0.00020.
gnomAD v4.1: 24 of 1,613,886 alleles (0.0015%); highest among the groups gnomAD compares: African/African-American, 0.025%; no homozygotes.

Submissions (6):

Labcorp Genetics (formerly Invitae), Labcorp
Classification: Uncertain significance for Arrhythmogenic right ventricular dysplasia 9. Last evaluated: 2025-12-09. Review status: criteria provided, single submitter. Criteria: Invitae Variant Classification Sherloc (09022015). Collection method: clinical testing. Allele origin: germline.
Comment: This sequence change replaces serine, which is neutral and polar, with asparagine, which is neutral and polar, at codon 337 of the PKP2 protein (p.Ser337Asn). This variant is present in population databases (rs144401285, gnomAD 0.02%). This variant has not been reported in the literature in individuals affected with PKP2-related conditions. ClinVar contains an entry for this variant (Variation ID: 464407). An algorithm developed to predict the effect of missense changes on protein structure and function outputs the following: PolyPhen-2: "Benign". The asparagine amino acid residue is found in multiple mammalian species, which suggests that this missense change does not adversely affect protein function. In summary, the available evidence is currently insufficient to determine the role of this variant in disease. Therefore, it has been classified as a Variant of Uncertain Significance.

Ambry Genetics
Classification: Uncertain significance for Cardiovascular phenotype. Last evaluated: 2025-10-03. Review status: criteria provided, single submitter. Criteria: Ambry Variant Classification Scheme 2023. Collection method: clinical testing. Allele origin: germline.

Color Diagnostics, LLC DBA Color Health
Classification: Uncertain significance for Cardiomyopathy. Last evaluated: 2024-03-06. Review status: criteria provided, single submitter. Criteria: ACMG Guidelines, 2015. Collection method: clinical testing. Allele origin: germline.
Comment: This missense variant replaces serine with asparagine at codon 337 of the PKP2 protein. Computational prediction suggests that this variant may not impact protein structure and function (internally defined REVEL score threshold <= 0.5, PMID: 27666373). To our knowledge, functional studies have not been reported for this variant. This variant has not been reported in individuals affected with cardiovascular disorders in the literature. This variant has been identified in 6/280636 chromosomes in the general population by the Genome Aggregation Database (gnomAD). The available evidence is insufficient to determine the role of this variant in disease conclusively. Therefore, this variant is classified as a Variant of Uncertain Significance.

All of Us Research Program, National Institutes of Health
Classification: Uncertain significance for Arrhythmogenic right ventricular cardiomyopathy. Last evaluated: 2023-12-07. Review status: criteria provided, single submitter. Criteria: ACMG Guidelines, 2015. Collection method: clinical testing. Allele origin: germline. Inheritance: Autosomal dominant inheritance. Observed: 2 variant alleles, 2 heterozygotes.
Comment: This missense variant replaces serine with asparagine at codon 337 of the PKP2 protein. Computational prediction suggests that this variant may not impact protein structure and function (internally defined REVEL score threshold <= 0.5, PMID: 27666373). To our knowledge, functional studies have not been reported for this variant. This variant has not been reported in individuals affected with cardiovascular disorders in the literature. This variant has been identified in 6/280636 chromosomes in the general population by the Genome Aggregation Database (gnomAD). The available evidence is insufficient to determine the role of this variant in disease conclusively. Therefore, this variant is classified as a Variant of Uncertain Significance.

This study involves interpretation of variants in research participants for the purpose of population health screening. Participant phenotype was not available at the time of variant classification. Additional details can be found in publication PMID: 35346344, PMCID: PMC8962531

GeneDx
Classification: Uncertain significance. Last evaluated: 2023-09-08. Review status: criteria provided, single submitter. Criteria: GeneDx Variant Classification Process June 2021. Collection method: clinical testing. Allele origin: germline. Affected: yes.
Comment: In silico analysis supports that this missense variant does not alter protein structure/function; Has not been previously published as pathogenic or benign to our knowledge

Molecular Diagnostic Laboratory for Inherited Cardiovascular Disease, Montreal Heart Institute
Classification: Uncertain significance for Left ventricular noncompaction 1. Last evaluated: 2019-09-23. Review status: criteria provided, single submitter. Criteria: ACMG Guidelines, 2015. Collection method: clinical testing. Allele origin: germline. Affected: yes.

NM_001005242.3(PKP2):c.1010G>A (p.Ser337Asn)

Gene: PKP2 (plakophilin 2; minus strand). Cytogenetic location: 12p11.21.
Variant type: single nucleotide variant.
Coding change: c.1010G>A on transcript NM_001005242.3 (MANE Select); coding-DNA position 1010, G replaced by A.
Protein change: p.Ser337Asn; replaces serine 337 with asparagine.
Molecular consequence: missense variant.
Genome position (GRCh38, 1-based): chr12:32,877,870, C>T on the plus strand (G>A on the coding strand, the complement: PKP2 is on the minus strand). VCF-style: chr12-32877870-C-T. GRCh37 (hg19) VCF-style: chr12-33030804-C-T.
Other names: c.1010G>A, p.Ser337Asn (NM_004572.4); short protein forms S337N.
Identifiers: ClinVar variation 464407 (VCV000464407.17), dbSNP rs144401285, ClinGen allele CA026676.